The following is an entry in ClinVar:

ClinVar aggregate classification (germline): Likely pathogenic (1 of 4 stars; one submission).

Conditions:
Glutaric aciduria, type 1. Also called: Glutaric Acidemia Type 1; Glutaryl-CoA dehydrogenase deficiency; Glutaricaciduria, type I; GA I; Glutaric acidemia type I; Glutaricacidemia Type 1. Identifiers: Orphanet 25, MedGen C0268595, MONDO:0009281, OMIM 231670.

Allele frequency attached by ClinVar (database versions not stated): gnomAD exomes below 0.00001; ExAC 0.00001.
gnomAD v4.1: 1 of 1,613,034 alleles (0.000062%); highest among the groups gnomAD compares: East Asian, 0.0022%; no homozygotes.

Submission:

Labcorp Genetics (formerly Invitae), Labcorp
Classification: Likely pathogenic for Glutaric aciduria, type 1. Last evaluated: 2021-11-22. Review status: criteria provided, single submitter. Criteria: Invitae Variant Classification Sherloc (09022015). Collection method: clinical testing. Allele origin: germline.
Comment: This variant disrupts the p.Val133 amino acid residue in GCDH. Other variant(s) that disrupt this residue have been determined to be pathogenic (PMID: 10699052; Invitae). This suggests that this residue is clinically significant, and that variants that disrupt this residue are likely to be disease-causing. Advanced modeling of protein sequence and biophysical properties (such as structural, functional, and spatial information, amino acid conservation, physicochemical variation, residue mobility, and thermodynamic stability) performed at Invitae indicates that this missense variant is expected to disrupt GCDH protein function. This variant has not been reported in the literature in individuals affected with GCDH-related conditions. This variant is present in population databases (rs772549903, gnomAD 0.006%). This sequence change replaces valine, which is neutral and non-polar, with glycine, which is neutral and non-polar, at codon 133 of the GCDH protein (p.Val133Gly). In summary, the currently available evidence indicates that the variant is pathogenic, but additional data are needed to prove that conclusively. Therefore, this variant has been classified as Likely Pathogenic.

Literature cited by the submitters: PubMed 10699052.

NM_000159.4(GCDH):c.398T>G (p.Val133Gly)

Gene: GCDH (glutaryl-CoA dehydrogenase; plus strand). Cytogenetic location: 19p13.13.
Variant type: single nucleotide variant.
Coding change: c.398T>G on transcript NM_000159.4 (MANE Select); coding-DNA position 398, T replaced by G.
Protein change: p.Val133Gly; replaces valine 133 with glycine.
Molecular consequence: missense variant. On other transcripts: non-coding transcript variant (2).
Genome position (GRCh38, 1-based): chr19:12,893,546, T>G. VCF-style: chr19-12893546-T-G. GRCh37 (hg19) VCF-style: chr19-13004360-T-G.
Other names: c.398T>G, p.Val133Gly (NM_013976.5); short protein forms V133G.
Identifiers: ClinVar variation 1480998 (VCV001480998.6), dbSNP rs772549903, ClinGen allele CA9234383.